The following is an entry in ClinVar:

ClinVar aggregate classification (germline): Uncertain significance (1 of 4 stars; one submission).

Conditions:
Perlman syndrome (PRLMNS). Identifiers: Orphanet 2849, MedGen C0796113, MONDO:0009965, OMIM 267000.

Allele frequency attached by ClinVar (database versions not stated): gnomAD exomes below 0.00001.
gnomAD v4.1: 1 of 1,614,096 alleles (0.000062%); highest among the groups gnomAD compares: African/African-American, 0.0013%; no homozygotes.

Submission:

Labcorp Genetics (formerly Invitae), Labcorp
Classification: Uncertain significance for Perlman syndrome. Last evaluated: 2022-09-21. Review status: criteria provided, single submitter. Criteria: Invitae Variant Classification Sherloc (09022015). Collection method: clinical testing. Allele origin: germline.
Comment: In summary, the available evidence is currently insufficient to determine the role of this variant in disease. Therefore, it has been classified as a Variant of Uncertain Significance. Algorithms developed to predict the effect of missense changes on protein structure and function output the following: SIFT: "Tolerated"; PolyPhen-2: "Benign"; Align-GVGD: "Class C0". The glutamic acid amino acid residue is found in multiple mammalian species, which suggests that this missense change does not adversely affect protein function. This variant has not been reported in the literature in individuals affected with DIS3L2-related conditions. This variant is not present in population databases (gnomAD no frequency). This sequence change replaces aspartic acid, which is acidic and polar, with glutamic acid, which is acidic and polar, at codon 256 of the DIS3L2 protein (p.Asp256Glu).

NM_152383.5(DIS3L2):c.768T>A (p.Asp256Glu)

Gene: DIS3L2 (DIS3 like 3'-5' exoribonuclease 2; plus strand). Cytogenetic location: 2q37.1.
Variant type: single nucleotide variant.
Coding change: c.768T>A on transcript NM_152383.5 (MANE Select); coding-DNA position 768, T replaced by A.
Protein change: p.Asp256Glu; replaces aspartic acid 256 with glutamic acid.
Molecular consequence: missense variant. On other transcripts: non-coding transcript variant (1).
Genome position (GRCh38, 1-based): chr2:232,136,537, T>A. VCF-style: chr2-232136537-T-A. GRCh37 (hg19) VCF-style: chr2-233001247-T-A.
Other names: c.768T>A, p.Asp256Glu (NM_001257281.2); short protein forms D256E.
Identifiers: ClinVar variation 2103170 (VCV002103170.4), dbSNP rs1698363061, ClinGen allele CA351153544.